The following is an entry in ClinVar:

ClinVar aggregate classification (germline): Pathogenic (1 of 4 stars; one submission).

Conditions:
X-linked myopathy with postural muscle atrophy. Also called: FHL1-Related Emery-Dreifuss Muscular Dystrophy, X-Linked. Identifiers: Orphanet 178461, MedGen C2678055, MONDO:0010401, OMIM 300696.

Submission:

Labcorp Genetics (formerly Invitae), Labcorp
Classification: Pathogenic for X-linked myopathy with postural muscle atrophy. Last evaluated: 2023-11-21. Review status: criteria provided, single submitter. Criteria: Invitae Variant Classification Sherloc (09022015). Collection method: clinical testing. Allele origin: unknown.
Comment: A gross deletion of the genomic region encompassing the full coding sequence of the FHL1 gene has been identified. Loss-of-function variants in FHL1 are known to be pathogenic (PMID: 18179888, 19687455, 19716112, 22523091, 24114807). The boundaries of this event are unknown as they extend beyond the assayed region for this gene and therefore may encompass additional genes. A similar copy number variant has been observed in individual(s) with FHL1-related disease (PMID: 27409453). For these reasons, this variant has been classified as Pathogenic.

Literature cited by the submitters: PubMed 18179888; PubMed 19687455; PubMed 19716112; PubMed 22523091; PubMed 24114807; PubMed 27409453.

NC_000023.10:g.(?_135288592)_(135741574_?)del

Genes: BRS3 (bombesin receptor subtype 3; plus strand), ADGRG4 (adhesion G protein-coupled receptor G4; plus strand), CD40LG (CD40 ligand; plus strand), FHL1 (four and a half LIM domains 1; plus strand), HTATSF1 (HIV-1 Tat specific factor 1; plus strand) and 2 more. Cytogenetic location: Xq26.3.
Variant type: Deletion.
Identifiers: ClinVar variation 3245190 (VCV003245190.1).